The following is an entry in ClinVar:

NM_000202.8(IDS):c.389C>T (p.Thr130Ile)

Gene: IDS (iduronate 2-sulfatase; minus strand). Cytogenetic location: Xq28.
Variant type: single nucleotide variant.
Coding change: c.389C>T on transcript NM_000202.8 (MANE Select); coding-DNA position 389, C replaced by T.
Protein change: p.Thr130Ile; replaces threonine 130 with isoleucine.
Molecular consequence: missense variant. On other transcripts: non-coding transcript variant (1).
Genome position (GRCh38, 1-based): chrX:149,503,341, G>A on the plus strand (C>T on the coding strand, the complement: IDS is on the minus strand). VCF-style: chrX-149503341-G-A. GRCh37 (hg19) VCF-style: chrX-148584871-G-A.
Other names: c.119C>T, p.Thr40Ile (NM_001166550.4); c.389C>T, p.Thr130Ile (NM_006123.5); short protein forms T130I, T40I.
Identifiers: ClinVar variation 527323 (VCV000527323.10), dbSNP rs1557340233, ClinGen allele CA414525737.

ClinVar aggregate classification (germline): Likely pathogenic. Review status: criteria provided, multiple submitters, no conflicts (2 of 4 stars). 2 submissions from 2 submitters: Likely pathogenic (2). Last evaluated 2024-06-07.

Conditions:
Mucopolysaccharidosis, MPS-II (MPS2). Also called: IDS deficiency; Sulfoiduronate sulfatase deficiency; SIDS deficiency; Mucopolysaccharidosis with skin involvement; Mucopolysaccharidosis type 2; Attenuated MPS (subtype; formerly known as mild MPS II). Identifiers: Orphanet 580, Orphanet 79388, MedGen C0026705, MONDO:0010674, OMIM 309900.

Submissions (2):

Laboratory of Diagnosis and Therapy of Lysosomal Disorders, University of Padova
Classification: Likely pathogenic for Mucopolysaccharidosis, MPS-II. Last evaluated: 2024-06-07. Review status: criteria provided, single submitter. Criteria: ACMG Guidelines, 2015. Collection method: literature only. Allele origin: germline. Affected: yes. Observed: 2 variant alleles.
Comment: Absent from controls (or at low frequency) in gnomAD database (PM2_Moderate), Missense change at the same amino acid residue as a pathogenic variant (PM5_Moderate), Missense variant in a gene with a low rate of benign missense variation (PP2_Supporting), Multiple lines of computational evidence support a deleterious effect (PP3_Supporting), Patient’s phenotype or family history highly specific for the disease (PP4_Moderate)

Classification method: ACMG Guidelines [PMID:25741868] with modifications

Labcorp Genetics (formerly Invitae), Labcorp
Classification: Likely pathogenic for Mucopolysaccharidosis, MPS-II. Last evaluated: 2024-02-26. Review status: criteria provided, single submitter. Criteria: Invitae Variant Classification Sherloc (09022015). Collection method: clinical testing. Allele origin: germline.
Comment: This sequence change replaces threonine, which is neutral and polar, with isoleucine, which is neutral and non-polar, at codon 130 of the IDS protein (p.Thr130Ile). This variant is not present in population databases (gnomAD no frequency). This missense change has been observed in individuals with mucopolysaccharidosis type II (PMID: 21829674, 24125893; Invitae). ClinVar contains an entry for this variant (Variation ID: 527323). Advanced modeling of protein sequence and biophysical properties (such as structural, functional, and spatial information, amino acid conservation, physicochemical variation, residue mobility, and thermodynamic stability) performed at Invitae indicates that this missense variant is expected to disrupt IDS protein function with a positive predictive value of 80%. In summary, the currently available evidence indicates that the variant is pathogenic, but additional data are needed to prove that conclusively. Therefore, this variant has been classified as Likely Pathogenic.

Literature cited by the submitters: PubMed 24125893 (cited by Laboratory of Diagnosis and Therapy of Lysosomal Disorders, University of Padova and Labcorp Genetics (formerly Invitae), Labcorp); PubMed 21829674 (cited by Laboratory of Diagnosis and Therapy of Lysosomal Disorders, University of Padova and Labcorp Genetics (formerly Invitae), Labcorp).